The following is an entry in ClinVar:

NM_001931.5(DLAT):c.1678-7C>T

Genes: DLAT (dihydrolipoamide S-acetyltransferase; plus strand), PIH1D2 (PIH1 domain containing 2; minus strand). Cytogenetic location: 11q23.1.
Variant type: single nucleotide variant.
Coding change: c.1678-7C>T on transcript NM_001931.5 (MANE Select); 7 bases into the intron before coding-DNA position 1678, C replaced by T.
Molecular consequence: intron variant.
Genome position (GRCh38, 1-based): chr11:112,061,031, C>T. VCF-style: chr11-112061031-C-T. GRCh37 (hg19) VCF-style: chr11-111931755-C-T.
Other names: c.1216-7C>T (NM_001372042.1); c.1696-7C>T (NM_001372031.1); c.1657-7C>T (NM_001372033.1); c.1570-7C>T (NM_001372035.1); c.1672-7C>T (NM_001372032.1); c.1363-7C>T (NM_001372039.1); c.1255-7C>T (NM_001372041.1); c.1399-7C>T (NM_001372038.1); and 5 more.
Identifiers: ClinVar variation 1612896 (VCV001612896.10), dbSNP rs781917992, ClinGen allele CA6276995.

ClinVar aggregate classification (germline): Likely benign. Review status: criteria provided, single submitter (1 of 4 stars). 2 submissions from 2 submitters: Likely benign (1). 1 of the submissions does not count toward it. Last evaluated 2025-07-31.

Conditions:
Pyruvate dehydrogenase E2 deficiency (PDHDD). Also called: Dihydrolipoamide Acetyltransferase (E2) Deficiency; LACTIC ACIDEMIA DUE TO DEFECT OF E2 LIPOYL TRANSACETYLASE OF THE PYRUVATE DEHYDROGENASE COMPLEX. Identifiers: Orphanet 765, Orphanet 79244, MedGen C1855565, MONDO:0009502, OMIM 245348.
DLAT-related disorder. Also called: DLAT-related condition.

Allele frequency attached by ClinVar (database versions not stated): gnomAD 0.00003; gnomAD exomes 0.00003 and 0.00008; TOPMed 0.00003; ExAC 0.00024.
gnomAD v4.1: 46 of 1,569,132 alleles (0.0029%); highest among the groups gnomAD compares: South Asian, 0.016%; no homozygotes.

Submissions (2):

Labcorp Genetics (formerly Invitae), Labcorp
Classification: Likely benign for Pyruvate dehydrogenase E2 deficiency. Last evaluated: 2025-07-31. Review status: criteria provided, single submitter. Criteria: Invitae Variant Classification Sherloc (09022015). Collection method: clinical testing. Allele origin: germline.

PreventionGenetics, part of Exact Sciences
Classification: Likely benign for DLAT-related condition. Last evaluated: 2019-08-01. Review status: no assertion criteria provided. Collection method: clinical testing. Allele origin: germline. Not counted in ClinVar's aggregate classification.
Comment: This variant is classified as likely benign based on ACMG/AMP sequence variant interpretation guidelines (Richards et al. 2015 PMID: 25741868, with internal and published modifications).